The following is an entry in ClinVar:

NM_002661.5(PLCG2):c.2604C>A (p.Asn868Lys)

Gene: PLCG2 (phospholipase C gamma 2; plus strand). Cytogenetic location: 16q23.3.
Variant type: single nucleotide variant.
Coding change: c.2604C>A on transcript NM_002661.5 (MANE Select); coding-DNA position 2604, C replaced by A.
Protein change: p.Asn868Lys; replaces asparagine 868 with lysine.
Molecular consequence: missense variant.
Genome position (GRCh38, 1-based): chr16:81,931,519, C>A. VCF-style: chr16-81931519-C-A. GRCh37 (hg19) VCF-style: chr16-81965124-C-A.
Other names: short protein forms N868K.
Identifiers: ClinVar variation 429699 (VCV000429699.4), dbSNP rs1131691537, ClinGen allele CA396903472.

ClinVar aggregate classification (germline): Uncertain significance. Review status: criteria provided, multiple submitters, no conflicts (2 of 4 stars). 2 submissions from 2 submitters: Uncertain significance (2). Last evaluated 2024-08-21.

Conditions:
Familial cold autoinflammatory syndrome 3 (FCAS3). Also called: FAMILIAL ATYPICAL COLD URTICARIA; ANTIBODY DEFICIENCY AND IMMUNE DYSREGULATION, PLCG2-ASSOCIATED. Identifiers: Orphanet 300359, MedGen C3280914, MONDO:0013766, OMIM 614468.

gnomAD v4.1: 3 of 1,613,958 alleles (0.00019%); highest among the groups gnomAD compares: Non-Finnish European, 0.00025%; no homozygotes.

Submissions (2):

Labcorp Genetics (formerly Invitae), Labcorp
Classification: Uncertain significance for Familial cold autoinflammatory syndrome 3. Last evaluated: 2024-08-21. Review status: criteria provided, single submitter. Criteria: Invitae Variant Classification Sherloc (09022015). Collection method: clinical testing. Allele origin: germline.
Comment: This sequence change replaces asparagine, which is neutral and polar, with lysine, which is basic and polar, at codon 868 of the PLCG2 protein (p.Asn868Lys). This variant is not present in population databases (gnomAD no frequency). This variant has not been reported in the literature in individuals affected with PLCG2-related conditions. ClinVar contains an entry for this variant (Variation ID: 429699). An algorithm developed to predict the effect of missense changes on protein structure and function (PolyPhen-2) suggests that this variant is likely to be tolerated. In summary, the available evidence is currently insufficient to determine the role of this variant in disease. Therefore, it has been classified as a Variant of Uncertain Significance.

GeneDx
Classification: Uncertain significance. Last evaluated: 2017-05-13. Review status: criteria provided, single submitter. Criteria: GeneDx Variant Classification (06012015). Collection method: clinical testing. Allele origin: germline. Affected: yes.
Comment: The N868K variant in the PLCG2 gene has not been reported previously as a pathogenic variant, nor as a benign variant, to our knowledge. The N868K variant is not observed in large population cohorts (Lek et al., 2016; 1000 Genomes Consortium et al., 2015; Exome Variant Server). The N868K variant is a semi-conservative amino acid substitution, which may impact secondary protein structure as these residues differ in some properties. However, this substitution occurs at a position that is not conserved, and in silico analysis is inconsistent in its predictions as to whether or not the variant is damaging to the protein structure/function. We interpret N868K as a variant of uncertain significance.